The following is an entry in ClinVar:

NM_139278.4(LGI3):c.969G>A (p.Pro323=)

Gene: LGI3 (leucine rich repeat LGI family member 3; minus strand). Cytogenetic location: 8p21.3.
Variant type: single nucleotide variant.
Coding change: c.969G>A on transcript NM_139278.4 (MANE Select); coding-DNA position 969, G replaced by A.
Protein change: p.Pro323=; no amino-acid change (proline 323 retained).
Molecular consequence: synonymous variant.
Genome position (GRCh38, 1-based): chr8:22,148,838, C>T on the plus strand (G>A on the coding strand, the complement: LGI3 is on the minus strand). VCF-style: chr8-22148838-C-T. GRCh37 (hg19) VCF-style: chr8-22006351-C-T.
Identifiers: ClinVar variation 3898161 (VCV003898161.7).

ClinVar aggregate classification (germline): Likely benign (1 of 4 stars; one submission).

Submission:

CeGaT Center for Human Genetics Tuebingen
Classification: Likely benign. Last evaluated: 2026-09-01. Review status: criteria provided, single submitter. Criteria: CeGaT Center For Human Genetics Tuebingen Variant Classification Criteria Version 2. Collection method: clinical testing. Allele origin: germline. Affected: yes. Observed: 4 variant alleles.
Comment: LGI3: BP4, BP7, BS2